The following is an entry in ClinVar:

NM_032119.4(ADGRV1):c.10405T>C (p.Phe3469Leu)

Gene: ADGRV1 (adhesion G protein-coupled receptor V1; plus strand). Cytogenetic location: 5q14.3.
Variant type: single nucleotide variant.
Coding change: c.10405T>C on transcript NM_032119.4 (MANE Select); coding-DNA position 10405, T replaced by C.
Protein change: p.Phe3469Leu; replaces phenylalanine 3469 with leucine.
Molecular consequence: missense variant. On other transcripts: non-coding transcript variant (1).
Genome position (GRCh38, 1-based): chr5:90,728,912, T>C. VCF-style: chr5-90728912-T-C. GRCh37 (hg19) VCF-style: chr5-90024729-T-C.
Other names: short protein forms F3469L.
Identifiers: ClinVar variation 1717165 (VCV001717165.5), dbSNP rs2531368992, ClinGen allele CA360404646.
Genomic context (GRCh38, chr5:90,728,912, plus strand): 5'-CCTGTCAGTGGGACAACAGAAGTTGAGGCTTTGTCTTCAGCCAATGATATTTACCTAATA[T>C]TTGCCGAAAATGTCTTTCTAGGTGAGAAGATAAAGTATTTGTAGTGTATATATAATTATT-3'
Protein context (NP_115495.3, residues 3459-3479): LSSANDIYLI[Phe3469Leu]AENVFLGDQN

ClinVar aggregate classification (germline): Uncertain significance (1 of 4 stars; one submission).

Submission:

Labcorp Genetics (formerly Invitae), Labcorp
Classification: Uncertain significance. Last evaluated: 2024-02-17. Review status: criteria provided, single submitter. Criteria: Invitae Variant Classification Sherloc (09022015). Collection method: clinical testing. Allele origin: germline.
Comment: This sequence change replaces phenylalanine, which is neutral and non-polar, with leucine, which is neutral and non-polar, at codon 3469 of the ADGRV1 protein (p.Phe3469Leu). This variant is not present in population databases (gnomAD no frequency). This variant has not been reported in the literature in individuals affected with ADGRV1-related conditions. ClinVar contains an entry for this variant (Variation ID: 1717165). Advanced modeling of protein sequence and biophysical properties (such as structural, functional, and spatial information, amino acid conservation, physicochemical variation, residue mobility, and thermodynamic stability) performed at Invitae indicates that this missense variant is not expected to disrupt ADGRV1 protein function with a negative predictive value of 95%. In summary, the available evidence is currently insufficient to determine the role of this variant in disease. Therefore, it has been classified as a Variant of Uncertain Significance.